The following is an entry in ClinVar:

NC_000001.11:g.(?_94048868)_(94048957_?)del

Gene: ABCA4 (ATP binding cassette subfamily A member 4; minus strand). Cytogenetic location: 1p22.1.
Variant type: Deletion.
Identifiers: ClinVar variation 832966 (VCV000832966.1).

ClinVar aggregate classification (germline): Pathogenic (1 of 4 stars; one submission).

Submission:

Labcorp Genetics (formerly Invitae), Labcorp
Classification: Pathogenic. Last evaluated: 2019-12-24. Review status: criteria provided, single submitter. Criteria: Invitae Variant Classification Sherloc (09022015). Collection method: clinical testing. Allele origin: germline.
Comment: This variant is an in-frame deletion of the genomic region encompassing exon 18 of the ABCA4 gene. It preserves the integrity of the reading frame. This variant has been observed in individual(s) with Stargardt disease (PMID: 12754711). It has also been observed to segregate with disease in related individuals. This variant has been reported to affect ABCA4 protein function (PMID: 12754711). For these reasons, this variant has been classified as Pathogenic.

Literature cited by the submitters: PubMed 12754711.